The following is an entry in ClinVar:

ClinVar aggregate classification (germline): Uncertain significance (1 of 4 stars; one submission).

Conditions:
Long QT syndrome 10 (LQT10). Identifiers: Orphanet 101016, Orphanet 768, MedGen C2678484, MONDO:0012737, OMIM 611819.

Submission:

Labcorp Genetics (formerly Invitae), Labcorp
Classification: Uncertain significance for Long QT syndrome 10. Last evaluated: 2021-06-06. Review status: criteria provided, single submitter. Criteria: Invitae Variant Classification Sherloc (09022015). Collection method: clinical testing. Allele origin: germline.
Comment: This sequence change replaces serine with arginine at codon 57 of the SCN4B protein (p.Ser57Arg). The serine residue is highly conserved and there is a moderate physicochemical difference between serine and arginine. This variant is not present in population databases (ExAC no frequency). This variant has not been reported in the literature in individuals with SCN4B-related conditions. Algorithms developed to predict the effect of missense changes on protein structure and function are either unavailable or do not agree on the potential impact of this missense change (SIFT: "Deleterious"; PolyPhen-2: "Probably Damaging"; Align-GVGD: "Class C0"). In summary, the available evidence is currently insufficient to determine the role of this variant in disease. Therefore, it has been classified as a Variant of Uncertain Significance.

NM_174934.4(SCN4B):c.171C>A (p.Ser57Arg)

Gene: SCN4B (sodium voltage-gated channel beta subunit 4; minus strand). Cytogenetic location: 11q23.3.
Variant type: single nucleotide variant.
Coding change: c.171C>A on transcript NM_174934.4 (MANE Select); coding-DNA position 171, C replaced by A.
Protein change: p.Ser57Arg; replaces serine 57 with arginine.
Molecular consequence: missense variant. On other transcripts: non-coding transcript variant (1), intron variant (1), 5 prime UTR variant (1).
Genome position (GRCh38, 1-based): chr11:118,145,120, G>T on the plus strand (C>A on the coding strand, the complement: SCN4B is on the minus strand). VCF-style: chr11-118145120-G-T. GRCh37 (hg19) VCF-style: chr11-118015835-G-T.
Other names: c.62-3784C>A (NM_001142348.2); c.-160C>A (NM_001142349.2); short protein forms S57R.
Identifiers: ClinVar variation 1504160 (VCV001504160.8), dbSNP rs2135505183, ClinGen allele CA382778704.
Genomic context (GRCh38, chr11:118,145,120, plus strand): 5'-CTTGAATGCGTCACTGCTGTTGTAGGTCCACCGGAAGTGGAGGTCCTCGAAGCCAAAGCA[G>T]CTGGAGAAGGTGCAGGGCAGCAGGATCTCCGTGCCATTGACAGCGTAGATGTCGGTGGCC-3'
Protein context (NP_777594.1, residues 47-67): TEILLPCTFS[Ser57Arg]CFGFEDLHFR